The following is an entry in ClinVar:

ClinVar aggregate classification (germline): Benign. Review status: criteria provided, single submitter (1 of 4 stars). 2 submissions from 2 submitters: Benign (1). 1 of the submissions does not count toward it. Last evaluated 2026-03-01.

Conditions:
GRB10-related disorder. Also called: GRB10-related condition.

Allele frequency attached by ClinVar (database versions not stated): ExAC 0.00779; ESP Exome Variant Server 0.00807; gnomAD exomes 0.00953; 1000 Genomes Project 0.00499; gnomAD 0.00749; 1000 Genomes Project 30x 0.00422; TOPMed 0.00751.
gnomAD v4.1: 15,022 of 1,613,962 alleles (0.93%); highest among the groups gnomAD compares: Middle Eastern, 1.6%; 97 homozygotes.

Submissions (2):

CeGaT Center for Human Genetics Tuebingen
Classification: Benign. Last evaluated: 2026-03-01. Review status: criteria provided, single submitter. Criteria: CeGaT Center For Human Genetics Tuebingen Variant Classification Criteria Version 2. Collection method: clinical testing. Allele origin: germline. Affected: yes. Observed: 7 variant alleles.
Comment: GRB10: BP4, BP7, BS1, BS2

PreventionGenetics, part of Exact Sciences
Classification: Benign for GRB10-related condition. Last evaluated: 2019-03-01. Review status: no assertion criteria provided. Collection method: clinical testing. Allele origin: germline. Not counted in ClinVar's aggregate classification.
Comment: This variant is classified as benign based on ACMG/AMP sequence variant interpretation guidelines (Richards et al. 2015 PMID: 25741868, with internal and published modifications).

NM_001350814.2(GRB10):c.1485C>T (p.His495=)

Gene: GRB10 (growth factor receptor bound protein 10; minus strand). Cytogenetic location: 7p12.1.
Variant type: single nucleotide variant.
Coding change: c.1485C>T on transcript NM_001350814.2 (MANE Select); coding-DNA position 1485, C replaced by T.
Protein change: p.His495=; no amino-acid change (histidine 495 retained).
Molecular consequence: synonymous variant.
Genome position (GRCh38, 1-based): chr7:50,604,057, G>A on the plus strand (C>T on the coding strand, the complement: GRB10 is on the minus strand). VCF-style: chr7-50604057-G-A. GRCh37 (hg19) VCF-style: chr7-50671754-G-A.
Other names: c.1347C>T, p.His449= (NM_001001549.3); c.1311C>T, p.His437= (NM_001001550.3, NM_001001555.3, NM_001350816.3 and 1 more transcripts); c.1599C>T, p.His533= (NM_001350815.2); c.1632C>T, p.His544= (NM_001371009.1); c.1599C>T (NM_001350815.1).
Identifiers: ClinVar variation 2657500 (VCV002657500.25), dbSNP rs61756585, ClinGen allele CA4262599.